The following is an entry in ClinVar:

NM_002454.3(MTRR):c.1252C>T (p.Arg418Ter)

Gene: MTRR (5-methyltetrahydrofolate-homocysteine methyltransferase reductase; plus strand). Cytogenetic location: 5p15.31.
Variant type: single nucleotide variant.
Coding change: c.1252C>T on transcript NM_002454.3 (MANE Select); coding-DNA position 1252, C replaced by T.
Protein change: p.Arg418Ter; replaces arginine 418 with a stop codon.
Molecular consequence: nonsense. On other transcripts: non-coding transcript variant (14).
Genome position (GRCh38, 1-based): chr5:7,889,200, C>T. VCF-style: chr5-7889200-C-T. GRCh37 (hg19) VCF-style: chr5-7889313-C-T.
Other names: c.1252C>T, p.Arg418Ter (NM_001364440.2, NM_001364441.2, NM_001364442.2 and 1 more transcripts); short protein forms R418*.
Identifiers: ClinVar variation 968210 (VCV000968210.12), dbSNP rs777997657, ClinGen allele CA3195869.

ClinVar aggregate classification (germline): Pathogenic/Likely pathogenic. Review status: criteria provided, multiple submitters, no conflicts (2 of 4 stars). 3 submissions from 3 submitters: Pathogenic (1); Likely pathogenic (2). Last evaluated 2025-12-03.

Conditions:
Neural tube defects, folate-sensitive (NTDFS). Also called: NTD, FOLATE-SENSITIVE. Identifiers: Orphanet 823, MedGen C1866558, MONDO:0011120, OMIM 601634.
Methylcobalamin deficiency type cblE (HMAE). Also called: VITAMIN B12-RESPONSIVE HOMOCYSTINURIA, cblE TYPE; HOMOCYSTINURIA-MEGALOBLASTIC ANEMIA, cblE COMPLEMENTATION TYPE; HOMOCYSTINURIA-MEGALOBLASTIC ANEMIA, cblE TYPE. Identifiers: Orphanet 2169, Orphanet 622, MedGen C1856057, MONDO:0009354, OMIM 236270.

Allele frequency attached by ClinVar (database versions not stated): ExAC 0.00001; gnomAD exomes 0.00001; TOPMed 0.00001; gnomAD 0.00002.
gnomAD v4.1: 18 of 1,613,756 alleles (0.0011%); highest among the groups gnomAD compares: African/African-American, 0.0013%; no homozygotes.

Submissions (3):

Natera, Inc.
Classification: Likely pathogenic for CblE complementation type homocystinuria-megaloblastic anemia due to defect in cobalamin metabolism. Last evaluated: 2025-12-03. Review status: criteria provided, single submitter. Criteria: Natera Variant Classification Schema (03/2026). Collection method: clinical testing. Allele origin: germline.
Comment: The c.1252C>T variant in MTRR is a nonsense variant predicted to introduce a stop codon at amino acid 418. This variant is expected to result in nonsense mediated decay, truncation, or a dysfunctional protein product. This variant is rare in the general population with a frequency below the threshold expected for the associated phenotype(s). Given the available evidence, this variant is classified as Likely Pathogenic.

Baylor Genetics
Classification: Likely pathogenic for Neural tube defects, folate-sensitive. Last evaluated: 2024-03-28. Review status: criteria provided, single submitter. Criteria: ACMG Guidelines, 2015. Collection method: clinical testing. Allele origin: unknown.

Labcorp Genetics (formerly Invitae), Labcorp
Classification: Pathogenic for Methylcobalamin deficiency type cblE. Last evaluated: 2020-10-22. Review status: criteria provided, single submitter. Criteria: Invitae Variant Classification Sherloc (09022015). Collection method: clinical testing. Allele origin: germline.
Comment: Loss-of-function variants in MTRR are known to be pathogenic (PMID: 15714522). This variant has not been reported in the literature in individuals with MTRR-related conditions. This variant is present in population databases (rs777997657, ExAC 0.001%). This sequence change creates a premature translational stop signal (p.Arg418*) in the MTRR gene. It is expected to result in an absent or disrupted protein product. For these reasons, this variant has been classified as Pathogenic.

Literature cited by the submitters: PubMed 15714522 (cited by Labcorp Genetics (formerly Invitae), Labcorp).